The following is an entry in ClinVar:

ClinVar aggregate classification (germline): Benign/Likely benign. Review status: criteria provided, multiple submitters, no conflicts (2 of 4 stars). 3 submissions from 3 submitters: Benign (1); Likely benign (1). 1 of the submissions does not count toward it. Last evaluated 2025-12-01.

Conditions:
PBX1-related disorder. Also called: PBX1-related condition.

Allele frequency attached by ClinVar (database versions not stated): gnomAD exomes 0.00007; 1000 Genomes Project 0.00040; ExAC 0.00062; ESP Exome Variant Server 0.00074; 1000 Genomes Project 30x 0.00078; gnomAD 0.00084; TOPMed 0.00113.
gnomAD v4.1: 237 of 1,550,434 alleles (0.015%); highest among the groups gnomAD compares: African/African-American, 0.3%; 1 homozygote.

Submissions (3):

CeGaT Center for Human Genetics Tuebingen
Classification: Likely benign. Last evaluated: 2025-12-01. Review status: criteria provided, single submitter. Criteria: CeGaT Center For Human Genetics Tuebingen Variant Classification Criteria Version 2. Collection method: clinical testing. Allele origin: germline. Affected: yes. Observed: 2 variant alleles.
Comment: PBX1: BP4, BP7

Labcorp Genetics (formerly Invitae), Labcorp
Classification: Benign. Last evaluated: 2025-11-28. Review status: criteria provided, single submitter. Criteria: Invitae Variant Classification Sherloc (09022015). Collection method: clinical testing. Allele origin: germline.

PreventionGenetics, part of Exact Sciences
Classification: Likely benign for PBX1-related condition. Last evaluated: 2021-03-31. Review status: no assertion criteria provided. Collection method: clinical testing. Allele origin: germline. Not counted in ClinVar's aggregate classification.
Comment: This variant is classified as likely benign based on ACMG/AMP sequence variant interpretation guidelines (Richards et al. 2015 PMID: 25741868, with internal and published modifications).

NM_002585.4(PBX1):c.78G>A (p.Leu26=)

Gene: PBX1 (PBX homeobox 1; plus strand). Cytogenetic location: 1q23.3.
Variant type: single nucleotide variant.
Coding change: c.78G>A on transcript NM_002585.4 (MANE Select); coding-DNA position 78, G replaced by A.
Protein change: p.Leu26=; no amino-acid change (leucine 26 retained).
Molecular consequence: synonymous variant. On other transcripts: 5 prime UTR variant (1).
Genome position (GRCh38, 1-based): chr1:164,559,900, G>A. VCF-style: chr1-164559900-G-A. GRCh37 (hg19) VCF-style: chr1-164529137-G-A.
Other names: c.78G>A, p.Leu26= (NM_001204961.2, NM_001204963.2, NM_001353131.2); c.-98G>A (NM_001353130.1); c.78G>A (NM_002585.3).
Identifiers: ClinVar variation 2073241 (VCV002073241.11), dbSNP rs372558581, ClinGen allele CA1219293.